The following is an entry in ClinVar:

NM_001035.3(RYR2):c.4799C>T (p.Pro1600Leu)

Gene: RYR2 (ryanodine receptor 2; plus strand). Cytogenetic location: 1q43.
Variant type: single nucleotide variant.
Coding change: c.4799C>T on transcript NM_001035.3 (MANE Select); coding-DNA position 4799, C replaced by T.
Protein change: p.Pro1600Leu; replaces proline 1600 with leucine.
Molecular consequence: missense variant.
Genome position (GRCh38, 1-based): chr1:237,610,877, C>T. VCF-style: chr1-237610877-C-T. GRCh37 (hg19) VCF-style: chr1-237774177-C-T.
Other names: short protein forms P1600L.
Identifiers: ClinVar variation 1043379 (VCV001043379.17), dbSNP rs759952370, ClinGen allele CA086738.
Genomic context (GRCh38, chr1:237,610,877, plus strand): 5'-CGCAGTGCCCCCCGCGCCTCCACGTGCAGTTCCTGTCACACGTCCTGTGGAGCAGAATGC[C>T]CAACCAGTTTTTGAAGGTAGATGTGTCTCGAATAAGTGAACGCCAAGGCTGGTTGGTGCA-3'
Protein context (NP_001026.2, residues 1590-1610): FLSHVLWSRM[Pro1600Leu]NQFLKVDVSR

ClinVar aggregate classification (germline): Uncertain significance. Review status: criteria provided, multiple submitters, no conflicts (2 of 4 stars). 6 submissions from 6 submitters: Uncertain significance (6). Last evaluated 2024-09-13.

Conditions:
Cardiovascular phenotype. Identifiers: MedGen CN230736.
Cardiomyopathy (CMYO). Also called: Cardiomyopathies. Identifiers: Orphanet 167848, MedGen C0878544, MONDO:0004994, HP:0001638. Inheritance: Various modes of inheritance.
Catecholaminergic polymorphic ventricular tachycardia (CVPT). Also called: Catecholamine-induced polymorphic ventricular tachycardia. Identifiers: Orphanet 3286, MedGen C5574922, MONDO:0017990.
Catecholaminergic polymorphic ventricular tachycardia 1. Also called: RYR2-Related Catecholaminergic Polymorphic Ventricular Tachycardia; VENTRICULAR TACHYCARDIA, STRESS-INDUCED POLYMORPHIC 1; VENTRICULAR TACHYCARDIA, CATECHOLAMINERGIC POLYMORPHIC, 1, WITH OR WITHOUT ATRIAL DYSFUNCTION AND/OR DILATED CARDIOMYOPATHY. Identifiers: Orphanet 3286, MedGen C1631597, MONDO:0011484, OMIM 604772.

Allele frequency attached by ClinVar (database versions not stated): ExAC 0.00001.
gnomAD v4.1: 6 of 1,613,374 alleles (0.00037%); highest among the groups gnomAD compares: South Asian, 0.0022%; no homozygotes.

Submissions (6):

Blueprint Genetics
Classification: Uncertain significance. Last evaluated: 2024-09-13. Review status: criteria provided, single submitter. Criteria: ACMG Guidelines, 2015. Collection method: clinical testing. Allele origin: germline.

Color Diagnostics, LLC DBA Color Health
Classification: Uncertain significance for Cardiomyopathy. Last evaluated: 2024-03-07. Review status: criteria provided, single submitter. Criteria: ACMG Guidelines, 2015. Collection method: clinical testing. Allele origin: germline.
Comment: This missense variant replaces proline with leucine at codon 1600 of the RYR2 protein. Computational prediction suggests that this variant may have deleterious impact on protein structure and function (internally defined REVEL score threshold >= 0.7, PMID: 27666373). To our knowledge, functional studies have not been reported for this variant. This variant has not been reported in individuals affected with cardiovascular disorders in the literature. This variant has been identified in 1/247914 chromosomes in the general population by the Genome Aggregation Database (gnomAD). The available evidence is insufficient to determine the role of this variant in disease conclusively. Therefore, this variant is classified as a Variant of Uncertain Significance.

All of Us Research Program, National Institutes of Health
Classification: Uncertain significance for Catecholaminergic polymorphic ventricular tachycardia. Last evaluated: 2023-06-08. Review status: criteria provided, single submitter. Criteria: ACMG Guidelines, 2015. Collection method: clinical testing. Allele origin: germline. Inheritance: Autosomal dominant inheritance. Observed: 1 variant allele, 1 heterozygote.
Comment: This missense variant replaces proline with leucine at codon 1600 of the RYR2 protein. Computational prediction suggests that this variant may have deleterious impact on protein structure and function (internally defined REVEL score threshold >= 0.7, PMID: 27666373). To our knowledge, functional studies have not been reported for this variant. This variant has not been reported in individuals affected with cardiovascular disorders in the literature. This variant has been identified in 1/247914 chromosomes in the general population by the Genome Aggregation Database (gnomAD). The available evidence is insufficient to determine the role of this variant in disease conclusively. Therefore, this variant is classified as a Variant of Uncertain Significance.

This study involves interpretation of variants in research participants for the purpose of population health screening. Participant phenotype was not available at the time of variant classification. Additional details can be found in publication PMID: 35346344, PMCID: PMC8962531

Labcorp Genetics (formerly Invitae), Labcorp
Classification: Uncertain significance for Catecholaminergic polymorphic ventricular tachycardia 1. Last evaluated: 2022-11-09. Review status: criteria provided, single submitter. Criteria: Invitae Variant Classification Sherloc (09022015). Collection method: clinical testing. Allele origin: germline.
Comment: In summary, the available evidence is currently insufficient to determine the role of this variant in disease. Therefore, it has been classified as a Variant of Uncertain Significance. Advanced modeling of protein sequence and biophysical properties (such as structural, functional, and spatial information, amino acid conservation, physicochemical variation, residue mobility, and thermodynamic stability) performed at Invitae indicates that this missense variant is expected to disrupt RYR2 protein function. ClinVar contains an entry for this variant (Variation ID: 1043379). This variant has not been reported in the literature in individuals affected with RYR2-related conditions. This variant is present in population databases (rs759952370, gnomAD 0.0009%). This sequence change replaces proline, which is neutral and non-polar, with leucine, which is neutral and non-polar, at codon 1600 of the RYR2 protein (p.Pro1600Leu).

AiLife Diagnostics
Classification: Uncertain significance. Last evaluated: 2022-02-01. Review status: criteria provided, single submitter. Criteria: ACMG Guidelines, 2015. Collection method: clinical testing. Allele origin: germline. Affected: yes. Observed: 1 variant allele.

Ambry Genetics
Classification: Uncertain significance for Cardiovascular phenotype. Last evaluated: 2020-01-29. Review status: criteria provided, single submitter. Criteria: Ambry Variant Classification Scheme 2023. Collection method: clinical testing. Allele origin: germline.
Comment: The p.P1600L variant (also known as c.4799C>T), located in coding exon 36 of the RYR2 gene, results from a C to T substitution at nucleotide position 4799. The proline at codon 1600 is replaced by leucine, an amino acid with similar properties. This amino acid position is highly conserved in available vertebrate species. In addition, this alteration is predicted to be deleterious by in silico analysis. Since supporting evidence is limited at this time, the clinical significance of this alteration remains unclear.